The following is an entry in ClinVar:

NM_007194.4(CHEK2):c.367dup (p.Tyr123fs)

Gene: CHEK2 (checkpoint kinase 2; minus strand). Cytogenetic location: 22q12.1.
Variant type: Duplication.
Coding change: c.367dup on transcript NM_007194.4 (MANE Select); coding-DNA position 367, one base duplicated (T; older notation c.367dupT).
Protein change: p.Tyr123fs; shifts the reading frame from tyrosine 123.
Molecular consequence: frameshift variant. On other transcripts: 5 prime UTR variant (2).
Genome position (GRCh38, 1-based): chr22:28,725,320, A duplicated on the plus strand (T on the coding strand, the reverse complement: CHEK2 is on the minus strand). VCF-style (leftmost placement, unchanged base first): chr22-28725319-T-TA. GRCh37 (hg19) VCF-style: chr22-29121307-T-TA.
Other names: c.496dup, p.Tyr166fs (NM_001005735.3, NM_001438294.1); c.-411dup (NM_001257387.3); c.367dup, p.Tyr123fs (NM_001349956.3, NM_145862.3); c.-297dup (NM_001437942.1); c.460dup, p.Tyr154fs (NM_001438293.1, NM_001438295.1); short protein forms Y123fs, Y166fs, Y154fs.
Identifiers: ClinVar variation 5034547 (VCV005034547.1).

ClinVar aggregate classification (germline): Pathogenic (1 of 4 stars; one submission).

Conditions:
Hereditary cancer-predisposing syndrome. Also called: Hereditary Cancer Syndrome; Neoplastic Syndromes, Hereditary; Tumor predisposition; Hereditary neoplastic syndrome. Identifiers: Orphanet 140162, MedGen C0027672, MeSH D009386, MONDO:0015356.

Submission:

Ambry Genetics
Classification: Pathogenic for Hereditary cancer-predisposing syndrome. Last evaluated: 2026-06-18. Review status: criteria provided, single submitter. Criteria: Ambry Variant Classification Scheme 2023. Collection method: clinical testing. Allele origin: germline.
Comment: The c.367dupT pathogenic mutation, located in coding exon 2 of the CHEK2 gene, results from a duplication of T at nucleotide position 367, causing a translational frameshift with a predicted alternate stop codon (p.Y123Lfs*4). This variant is considered to be rare based on population cohorts in the Genome Aggregation Database (gnomAD). This alteration is expected to result in loss of function by premature protein truncation or nonsense-mediated mRNA decay. As such, this alteration is interpreted as a disease-causing mutation.